The following is an entry in ClinVar:

ClinVar aggregate classification (germline): Pathogenic. Review status: reviewed by expert panel (3 of 4 stars). 2 submissions from 2 submitters: Pathogenic (1). 1 of the submissions does not count toward it. Last evaluated 2016-09-08.

Conditions:
Breast-ovarian cancer, familial, susceptibility to, 2 (BROVCA2). Also called: BRCA2 Hereditary Breast and Ovarian Cancer. Identifiers: Orphanet 145, MedGen C2675520, MONDO:0012933, OMIM 612555. Disease mechanism: loss of function.

Submissions (2):

Evidence-based Network for the Interpretation of Germline Mutant Alleles (ENIGMA)
Classification: Pathogenic for Breast-ovarian cancer, familial, susceptibility to, 2. Last evaluated: 2016-09-08. Review status: reviewed by expert panel. Criteria: ENIGMA BRCA1/2 Classification Criteria (2015). Collection method: curation. Allele origin: germline.
Comment: Variant allele predicted to encode a truncated non-functional protein.

Revvity Omics, Revvity
Classification: Pathogenic. Last evaluated: 2022-05-06. Review status: criteria provided, single submitter. Criteria: ACMG Guidelines, 2015. Collection method: clinical testing. Allele origin: germline. Not counted in ClinVar's aggregate classification.

NM_000059.4(BRCA2):c.7706del (p.Gly2569fs)

Gene: BRCA2 (BRCA2 DNA repair associated; plus strand). Cytogenetic location: 13q13.1.
Variant type: Deletion.
Coding change: c.7706del on transcript NM_000059.4 (MANE Select); coding-DNA position 7706, one base deleted (G; older notation c.7706delG).
Protein change: p.Gly2569fs; shifts the reading frame from glycine 2569.
Molecular consequence: frameshift variant.
Genome position (GRCh38, 1-based): chr13:32,357,830, G deleted; the last of 2 consecutive G bases (chr13:32,357,829-32,357,830); deleting either gives the same sequence. VCF-style (leftmost placement, unchanged base first): chr13-32357828-TG-T. GRCh37 (hg19) VCF-style: chr13-32931965-TG-T.
Other names: c.7706del (NM_000059.3); c.7706delG (NM_000059.3); short protein forms G2569fs.
Identifiers: ClinVar variation 254612 (VCV000254612.5), dbSNP rs886038175, ClinGen allele CA10586580.
Genomic context (GRCh38, chr13:32,357,828, plus strand): 5'-TTGCATAAAAATTAACAGCAAAAATGCAGAGTCTTTTCAGTTTCACACTGAAGATTATTT[TG>T]GTAAGGAAAGTTTATGGACTGGAAAAGGAATACAGTTGGCTGATGGTGGATGGCTCATAC-3'